The following is an entry in ClinVar:

NM_001298.3(CNGA3):c.1981C>T (p.Arg661Cys)

Gene: CNGA3 (cyclic nucleotide gated channel subunit alpha 3; plus strand). Cytogenetic location: 2q11.2.
Variant type: single nucleotide variant.
Coding change: c.1981C>T on transcript NM_001298.3 (MANE Select); coding-DNA position 1981, C replaced by T.
Protein change: p.Arg661Cys; replaces arginine 661 with cysteine.
Molecular consequence: missense variant.
Genome position (GRCh38, 1-based): chr2:98,397,151, C>T. VCF-style: chr2-98397151-C-T. GRCh37 (hg19) VCF-style: chr2-99013614-C-T.
Other names: c.1927C>T, p.Arg643Cys (NM_001079878.2); short protein forms R643C, R661C.
Identifiers: ClinVar variation 851211 (VCV000851211.7), dbSNP rs183838250, ClinGen allele CA1794129.

ClinVar aggregate classification (germline): Pathogenic (1 of 4 stars; one submission).

gnomAD v4.1: 3 of 1,614,112 alleles (0.00019%); highest among the groups gnomAD compares: Non-Finnish European, 0.00025%; no homozygotes.

Submission:

Labcorp Genetics (formerly Invitae), Labcorp
Classification: Pathogenic. Last evaluated: 2021-09-16. Review status: criteria provided, single submitter. Criteria: Invitae Variant Classification Sherloc (09022015). Collection method: clinical testing. Allele origin: germline.
Comment: Advanced modeling of protein sequence and biophysical properties (such as structural, functional, and spatial information, amino acid conservation, physicochemical variation, residue mobility, and thermodynamic stability) performed at Invitae indicates that this missense variant is expected to disrupt CNGA3 protein function. This variant disrupts the p.Arg661 amino acid residue in CNGA3. Other variant(s) that disrupt this residue have been determined to be pathogenic (PMID: 24676353, 30711023; Invitae). This suggests that this residue is clinically significant, and that variants that disrupt this residue are likely to be disease-causing. For these reasons, this variant has been classified as Pathogenic. ClinVar contains an entry for this variant (Variation ID: 851211). This missense change has been observed in individual(s) with clinical features of inherited retinal dystrophy (Invitae). In at least one individual the data is consistent with the variant being in trans (on the opposite chromosome) from a pathogenic variant. This variant is present in population databases (rs183838250, ExAC 0.002%). This sequence change replaces arginine with cysteine at codon 661 of the CNGA3 protein (p.Arg661Cys). The arginine residue is highly conserved and there is a large physicochemical difference between arginine and cysteine.

Literature cited by the submitters: PubMed 24676353; PubMed 30711023.